The following is an entry in ClinVar:

ClinVar aggregate classification (germline): Uncertain significance (3 of 4 stars; one submission).

Conditions:
Monogenic diabetes. Identifiers: Orphanet 183625, MedGen C3888631, MONDO:0015967.

Submission:

ClinGen Monogenic Diabetes Variant Curation Expert Panel
Classification: Uncertain significance for Monogenic diabetes. Last evaluated: 2025-08-05. Review status: reviewed by expert panel. Criteria: ClinGen Diabetes ACMG Specifications HNF1A V3.0.0. Collection method: curation. Allele origin: germline. Inheritance: Autosomal dominant inheritance.
Comment: The c.385C>A variant in the HNF1 homeobox A gene, HNF1A, causes an amino acid change of proline to threonine at codon 129 (p.(Pro129Thr)) of NM_000545.8. This variant is located within a conserved region of the DNA binding domain (codons 107-174 and 201-280) of HNF1A, which is defined as critical for the protein’s function by the ClinGen MDEP (PM1_Supporting). Additionally, this variant is predicted to be deleterious by computational evidence, with a REVEL score of 0.994, which is greater than the MDEP VCEP threshold of 0.70 (PP3). This variant is absent from gnomAD v4.1.0 (PM2_Supporting), but was identified in two unrelated individuals with non-autoimmune and non-absolute/near-absolute insulin-deficient diabetes; however, PS4_Moderate cannot be applied because this number is below the ClinGen MDEP threshold (PMID: 9075818, PMID: 15687377). One of these individuals has a clinical history highly specific for HNF1A-MODY (MODY probability calculator result >50%, negative genetic testing for HNF4A, and antibody negative) (PP4_Moderate; internal lab contributor). In summary, the c.385C>A variant meets the criteria to be classified as a variant of uncertain significance for monogenic diabetes. ACMG/AMP criteria applied, as specified by the ClinGen MDEP (specification version 3.0.0, approved 6/30/2025): PP4_Moderate, PP3, PM1_Supporting, PM2_Supporting).

Literature cited by the submitters: PubMed 9075818; PubMed 15687377.

NM_000545.8(HNF1A):c.385C>A (p.Pro129Thr)

Gene: HNF1A (HNF1 homeobox A; plus strand). Cytogenetic location: 12q24.31.
Variant type: single nucleotide variant.
Coding change: c.385C>A on transcript NM_000545.8 (MANE Select); coding-DNA position 385, C replaced by A.
Protein change: p.Pro129Thr; replaces proline 129 with threonine.
Molecular consequence: missense variant.
Genome position (GRCh38, 1-based): chr12:120,988,891, C>A. VCF-style: chr12-120988891-C-A. GRCh37 (hg19) VCF-style: chr12-121426694-C-A.
Other names: NM_001306179.2:c.385C>A; c.385C>A, p.Pro129Thr (NM_001306179.2); short protein forms P129T.
Identifiers: ClinVar variation 1327619 (VCV001327619.4), dbSNP rs1876669818, ClinGen allele CA386959373.